The following is an entry in ClinVar:

ClinVar aggregate classification (germline): Conflicting classifications of pathogenicity. Review status: criteria provided, conflicting classifications (1 of 4 stars). 8 submissions from 8 submitters: Likely pathogenic (1); Uncertain significance (4); Likely benign (2). 1 of the submissions does not count toward it. Last evaluated 2026-01-21.

Conditions:
NPC1-related disorder. Also called: NPC1-related condition.
Niemann-Pick disease, type C1. Also called: NEUROVISCERAL STORAGE DISEASE WITH VERTICAL SUPRANUCLEAR OPHTHALMOPLEGIA; NIEMANN-PICK DISEASE WITH CHOLESTEROL ESTERIFICATION BLOCK; NIEMANN-PICK DISEASE WITHOUT SPHINGOMYELINASE DEFICIENCY; NIEMANN-PICK DISEASE, CHRONIC NEURONOPATHIC FORM; NIEMANN-PICK DISEASE, VARIANT TYPE C1. Identifiers: Orphanet 646, MedGen C3179455, MONDO:0009757, OMIM 257220.

Allele frequency attached by ClinVar (database versions not stated): 1000 Genomes Project 30x 0.00016; 1000 Genomes Project 0.00020; ESP Exome Variant Server 0.00031; TOPMed 0.00037.
gnomAD v4.1: 153 of 1,614,122 alleles (0.0095%); highest among the groups gnomAD compares: African/African-American, 0.15%; no homozygotes.

Submissions (8):

Labcorp Genetics (formerly Invitae), Labcorp
Classification: Likely benign for Niemann-Pick disease, type C1. Last evaluated: 2026-01-21. Review status: criteria provided, single submitter. Criteria: Invitae Variant Classification Sherloc (09022015). Collection method: clinical testing. Allele origin: germline.

Blueprint Genetics
Classification: Likely benign. Last evaluated: 2024-06-24. Review status: criteria provided, single submitter. Criteria: ACMG Guidelines, 2015. Collection method: clinical testing. Allele origin: germline.

Women's Health and Genetics/Laboratory Corporation of America, LabCorp
Classification: Uncertain significance. Last evaluated: 2024-04-29. Review status: criteria provided, single submitter. Criteria: LabCorp Variant Classification Summary - May 2015. Collection method: clinical testing. Allele origin: germline.
Comment: Variant summary: NPC1 c.547G>A (p.Ala183Thr) results in a non-conservative amino acid change located in the Niemann-Pick C1, N-terminal domain (IPR032190) of the encoded protein sequence. Three of five in-silico tools predict a damaging effect of the variant on protein function. The variant allele was found at a frequency of 7.6e-05 in 251474 control chromosomes (gnomAD). This frequency is not significantly higher than estimated for a pathogenic variant in NPC1 causing Niemann-Pick Disease Type C (7.6e-05 vs 0.0027), allowing no conclusion about variant significance. c.547G>A has been reported in the literature in at least one individual suspected of Niemann-Pick Disease Type C (e.g.Polese-Bonatto_2019, Malaga_2019). However, it was found in cis with at least one other missense variant of uncertain significance. These reports do not provide unequivocal conclusions about association of the variant with Niemann-Pick Disease Type C. To our knowledge, no experimental evidence demonstrating an impact on protein function has been reported. The following publications have been ascertained in the context of this evaluation (PMID: 30985853, 30820861). ClinVar contains an entry for this variant (Variation ID: 181450). Based on the evidence outlined above, the variant was classified as uncertain significance.

Revvity Omics, Revvity
Classification: Uncertain significance for Niemann-Pick disease, type C1. Last evaluated: 2022-03-08. Review status: criteria provided, single submitter. Criteria: ACMG Guidelines, 2015. Collection method: clinical testing. Allele origin: germline.

Fulgent Genetics
Classification: Uncertain significance for Niemann-Pick disease, type C1. Last evaluated: 2018-10-31. Review status: criteria provided, single submitter. Criteria: ACMG Guidelines, 2015. Collection method: clinical testing. Allele origin: unknown.

Eurofins Ntd Llc (ga)
Classification: Uncertain significance. Last evaluated: 2018-03-23. Review status: criteria provided, single submitter. Criteria: EGL ClinVar v180209 classification definitions. Collection method: clinical testing. Allele origin: germline. Observed: 4 variant alleles, 4 heterozygotes.

Pathology and Clinical Laboratory Medicine, King Fahad Medical City
Classification: Likely pathogenic for Niemann-Pick disease, type C1. Review status: criteria provided, single submitter. Criteria: ACMG Guidelines, 2015. Collection method: clinical testing. Allele origin: germline. Affected: yes. Observed: 1 variant allele.

PreventionGenetics, part of Exact Sciences
Classification: Uncertain significance for NPC1-related condition. Last evaluated: 2024-08-14. Review status: no assertion criteria provided. Collection method: clinical testing. Allele origin: germline. Not counted in ClinVar's aggregate classification.
Comment: The NPC1 c.547G>A variant is predicted to result in the amino acid substitution p.Ala183Thr. This variant has been reported in the homozygous state (along with a second NPC1 homozygous missense variant of uncertain significance) in a single patient with Niemann-Pick disease type C; however, no additional information was provided to support the pathogenicity of either variant (Polese-Bonatto et al. 2019. PubMed ID: 30820861). This variant is reported in 0.092% of alleles in individuals of African descent in gnomAD, which is likely too frequent to be a primary cause of disease. Although we suspect this variant may be benign, its clinical significance is currently classified as uncertain due to the absence of conclusive functional and genetic evidence.

Literature cited by the submitters: PubMed 30985853 (cited by Women's Health and Genetics/Laboratory Corporation of America, LabCorp); PubMed 30820861 (cited by Women's Health and Genetics/Laboratory Corporation of America, LabCorp).

NM_000271.5(NPC1):c.547G>A (p.Ala183Thr)

Gene: NPC1 (NPC intracellular cholesterol transporter 1; minus strand). Cytogenetic location: 18q11.2.
Variant type: single nucleotide variant.
Coding change: c.547G>A on transcript NM_000271.5 (MANE Select); coding-DNA position 547, G replaced by A.
Protein change: p.Ala183Thr; replaces alanine 183 with threonine.
Molecular consequence: missense variant.
Genome position (GRCh38, 1-based): chr18:23,561,444, C>T on the plus strand (G>A on the coding strand, the complement: NPC1 is on the minus strand). VCF-style: chr18-23561444-C-T. GRCh37 (hg19) VCF-style: chr18-21141408-C-T.
Other names: short protein forms A183T.
Identifiers: ClinVar variation 181450 (VCV000181450.23), dbSNP rs111256741, ClinGen allele CA297001.